The following is an entry in ClinVar:

NM_199420.4(POLQ):c.6359T>G (p.Leu2120Arg)

Gene: POLQ (DNA polymerase theta; minus strand). Cytogenetic location: 3q13.33.
Variant type: single nucleotide variant.
Coding change: c.6359T>G on transcript NM_199420.4 (MANE Select); coding-DNA position 6359, T replaced by G.
Protein change: p.Leu2120Arg; replaces leucine 2120 with arginine.
Molecular consequence: missense variant.
Genome position (GRCh38, 1-based): chr3:121,476,586, A>C on the plus strand (T>G on the coding strand, the complement: POLQ is on the minus strand). VCF-style: chr3-121476586-A-C. GRCh37 (hg19) VCF-style: chr3-121195433-A-C.
Other names: short protein forms L2120R.
Identifiers: ClinVar variation 3422433 (VCV003422433.1).

ClinVar aggregate classification (germline): Uncertain significance (1 of 4 stars; one submission).

Submission:

Ambry Genetics
Classification: Uncertain significance. Last evaluated: 2024-07-03. Review status: criteria provided, single submitter. Criteria: Ambry Variant Classification Scheme 2023. Collection method: clinical testing. Allele origin: germline.
Comment: The p.L2120R variant (also known as c.6359T>G), located in coding exon 20 of the POLQ gene, results from a T to G substitution at nucleotide position 6359. The leucine at codon 2120 is replaced by arginine, an amino acid with dissimilar properties. This amino acid position is conserved. In addition, this alteration is predicted to be deleterious by in silico analysis. Based on the available evidence, the clinical significance of this variant remains unclear.